The following is an entry in ClinVar:

ClinVar aggregate classification (germline): Uncertain significance (1 of 4 stars; one submission).

Conditions:
Neurofibromatosis, type 1 (NF1). Also called: NEUROFIBROMATOSIS, TYPE I, SOMATIC; VON RECKLINGHAUSEN DISEASE; Peripheral type neurofibromatosis; Neurofibromatosis, type I. Identifiers: Orphanet 636, MedGen C0027831, MONDO:0018975, OMIM 162200. Disease mechanism: loss of function.

Allele frequency attached by ClinVar (database versions not stated): gnomAD exomes 0.00001.
gnomAD v4.1: 5 of 1,608,704 alleles (0.00031%); highest among the groups gnomAD compares: African/African-American, 0.0013%; no homozygotes.

Submission:

Labcorp Genetics (formerly Invitae), Labcorp
Classification: Uncertain significance for Neurofibromatosis, type 1. Last evaluated: 2024-04-05. Review status: criteria provided, single submitter. Criteria: Invitae Variant Classification Sherloc (09022015). Collection method: clinical testing. Allele origin: germline.
Comment: This sequence change replaces tryptophan, which is neutral and slightly polar, with cysteine, which is neutral and slightly polar, at codon 223 of the NF1 protein (p.Trp223Cys). This variant is not present in population databases (gnomAD no frequency). This variant has not been reported in the literature in individuals affected with NF1-related conditions. ClinVar contains an entry for this variant (Variation ID: 639518). Advanced modeling of protein sequence and biophysical properties (such as structural, functional, and spatial information, amino acid conservation, physicochemical variation, residue mobility, and thermodynamic stability) performed at Invitae indicates that this missense variant is expected to disrupt NF1 protein function with a positive predictive value of 95%. In summary, the available evidence is currently insufficient to determine the role of this variant in disease. Therefore, it has been classified as a Variant of Uncertain Significance.

NM_001042492.3(NF1):c.669G>T (p.Trp223Cys)

Gene: NF1 (neurofibromin 1; plus strand). Cytogenetic location: 17q11.2.
Variant type: single nucleotide variant.
Coding change: c.669G>T on transcript NM_001042492.3 (MANE Select); coding-DNA position 669, G replaced by T.
Protein change: p.Trp223Cys; replaces tryptophan 223 with cysteine.
Molecular consequence: missense variant.
Genome position (GRCh38, 1-based): chr17:31,181,724, G>T. VCF-style: chr17-31181724-G-T. GRCh37 (hg19) VCF-style: chr17-29508742-G-T.
Other names: c.669G>T, p.Trp223Cys (NM_000267.4, NM_001128147.3); short protein forms W223C.
Identifiers: ClinVar variation 639518 (VCV000639518.5), dbSNP rs1057517967, ClinGen allele CA398989743.